The following is an entry in ClinVar:

ClinVar aggregate classification (germline): Uncertain significance (1 of 4 stars; one submission).

Conditions:
Leber congenital amaurosis 6 (LCA6). Identifiers: Orphanet 65, MedGen C1854260, MONDO:0013446, OMIM 613826.
Cone-rod dystrophy 13 (CORD13). Identifiers: Orphanet 1872, MedGen C2750720, MONDO:0011987, OMIM 608194.

Submission:

Labcorp Genetics (formerly Invitae), Labcorp
Classification: Uncertain significance for Leber congenital amaurosis 6; Cone-rod dystrophy 13. Last evaluated: 2024-11-05. Review status: criteria provided, single submitter. Criteria: Invitae Variant Classification Sherloc (09022015). Collection method: clinical testing. Allele origin: germline.
Comment: This variant, c.1802_1804del, results in the deletion of 1 amino acid(s) of the RPGRIP1 protein (p.Ser601del), but otherwise preserves the integrity of the reading frame. This variant is present in population databases (rs781272475, gnomAD 0.04%). This variant has not been reported in the literature in individuals affected with RPGRIP1-related conditions. ClinVar contains an entry for this variant (Variation ID: 1000026). Experimental studies and prediction algorithms are not available or were not evaluated, and the functional significance of this variant is currently unknown. In summary, the available evidence is currently insufficient to determine the role of this variant in disease. Therefore, it has been classified as a Variant of Uncertain Significance.

NM_020366.4(RPGRIP1):c.1802_1804del (p.Ser601del)

Gene: RPGRIP1 (RPGR interacting protein 1; plus strand). Cytogenetic location: 14q11.2.
Variant type: Deletion.
Coding change: c.1802_1804del on transcript NM_020366.4 (MANE Select); coding-DNA positions 1802 to 1804, 3 bases deleted (CGT; older notation c.1802_1804delCGT).
Protein change: p.Ser601del; deletes serine 601.
Molecular consequence: inframe deletion. On other transcripts: intron variant (3).
Genome position (GRCh38, 1-based): chr14:21,324,657-21,324,659, CGT deleted; deleting any 3 consecutive bases within chr14:21,324,655-21,324,659 gives the same sequence; the c. name uses the placement nearest the transcript's 3' end. VCF-style (leftmost placement, unchanged base first): chr14-21324654-TGTC-T. GRCh37 (hg19) VCF-style: chr14-21792813-TGTC-T.
Other names: c.728_730del, p.Ser243del (NM_001377948.1, NM_001377949.1); c.688+2653_688+2655del (NM_001377523.1, NM_001377950.1); c.190+2653_190+2655del (NM_001377951.1); short protein forms S243del, S601del.
Identifiers: ClinVar variation 1000026 (VCV001000026.7), dbSNP rs781272475, ClinGen allele CA7089098.
Genomic context (GRCh38, chr14:21,324,654, plus strand): 5'-TAGGCAGCTTTCTTTCCCCTCTAGAACAGCTCAAAGATGTTGCTTATGGCACCCGACCGT[TGTC>T]GTTATGTTTGGAAACACTGCCAGCCCATGGAGATGAGGATAAAGTGGATATTTCTCTGCT-3'